The following is an entry in ClinVar:

NM_007294.4(BRCA1):c.3173T>G (p.Ile1058Ser)

Gene: BRCA1 (BRCA1 DNA repair associated; minus strand). Cytogenetic location: 17q21.31.
Variant type: single nucleotide variant.
Coding change: c.3173T>G on transcript NM_007294.4 (MANE Select); coding-DNA position 3173, T replaced by G.
Protein change: p.Ile1058Ser; replaces isoleucine 1058 with serine.
Molecular consequence: missense variant. On other transcripts: intron variant (137).
Genome position (GRCh38, 1-based): chr17:43,092,358, A>C on the plus strand (T>G on the coding strand, the complement: BRCA1 is on the minus strand). VCF-style: chr17-43092358-A-C. GRCh37 (hg19) VCF-style: chr17-41244375-A-C.
Other names: c.3173T>G, p.Ile1058Ser (NM_001407582.1, NM_001407583.1, NM_001407585.1 and 30 more transcripts); c.3170T>G, p.Ile1057Ser (NM_001407587.1, NM_001407590.1, NM_001407591.1 and 22 more transcripts); c.3164T>G, p.Ile1055Ser (NM_001407646.1, NM_001407647.1); c.3050T>G, p.Ile1017Ser (NM_001407648.1, NM_001407664.1, NM_001407665.1 and 19 more transcripts); c.3047T>G, p.Ile1016Ser (NM_001407649.1, NM_001407670.1, NM_001407671.1 and 11 more transcripts); c.3095T>G, p.Ile1032Ser (NM_001407653.1, NM_001407654.1, NM_001407655.1 and 4 more transcripts); c.3092T>G, p.Ile1031Ser (NM_001407659.1, NM_001407660.1, NM_001407661.1 and 1 more transcripts); c.3032T>G, p.Ile1011Ser (NM_001407692.1, NM_001407694.1, NM_001407695.1 and 29 more transcripts); and 41 more; short protein forms I1058S, I1011S, I1017S, I762S, I969S, I1032S, I890S, I931S.
Identifiers: ClinVar variation 462605 (VCV000462605.13), dbSNP rs1555588264, ClinGen allele CA10595640.
Genomic context (GRCh38, chr17:43,092,358, plus strand): 5'-GGCCCTCTGTTTCTACCTAGTTCTGCTTGAATGTTTTCATCACTGGAACCTATTTCATTA[A>C]TACTGGAGCCCACTTCATTAGTACTGGAACCTACTTCATTAATATTGCTTGAGCTGGCTT-3'
Protein context (NP_009225.1, residues 1048-1068): GSSTNEVGSS[Ile1058Ser]NEIGSSDENI

ClinVar aggregate classification (germline): Conflicting classifications of pathogenicity. Review status: criteria provided, conflicting classifications (1 of 4 stars). 3 submissions from 3 submitters: Uncertain significance (2); Likely benign (1). Last evaluated 2024-01-27.

Conditions:
Hereditary cancer-predisposing syndrome. Also called: Neoplastic Syndromes, Hereditary; Hereditary Cancer Syndrome; Hereditary neoplastic syndrome; Tumor predisposition. Identifiers: Orphanet 140162, MedGen C0027672, MeSH D009386, MONDO:0015356.
Hereditary breast ovarian cancer syndrome. Also called: Hereditary breast and ovarian cancer syndrome (HBOC); Hereditary breast and ovarian cancer syndrome; Breast and ovarian cancer; Hereditary breast and/or ovarian cancer syndrome; Hereditary breast and ovarian cancer; BRCA1- and BRCA2-Associated Hereditary Breast and Ovarian Cancer. Identifiers: Orphanet 145, MedGen C0677776, MeSH D061325, MONDO:0003582. Disease mechanism: loss of function.

Submissions (3):

Ambry Genetics
Classification: Uncertain significance for Hereditary cancer-predisposing syndrome. Last evaluated: 2024-01-27. Review status: criteria provided, single submitter. Criteria: Ambry Variant Classification Scheme 2023. Collection method: clinical testing. Allele origin: germline.
Comment: The p.I1058S variant (also known as c.3173T>G), located in coding exon 9 of the BRCA1 gene, results from a T to G substitution at nucleotide position 3173. The isoleucine at codon 1058 is replaced by serine, an amino acid with dissimilar properties. This amino acid position is conserved. In addition, the in silico prediction for this alteration is inconclusive. Based on the available evidence, the clinical significance of this alteration remains unclear.

University of Washington Department of Laboratory Medicine, University of Washington
Classification: Likely benign for Hereditary cancer-predisposing syndrome. Last evaluated: 2023-03-23. Review status: criteria provided, single submitter. Criteria: Dines et al. (Genet Med. 2020). Collection method: curation. Allele origin: germline.
Comment: Missense variant in a coldspot region where missense variants are very unlikely to be pathogenic (PMID:31911673).

BRCA1 coldspot (exon 11 using historical exon numbering). Reclassification based on statistical prior probability

Labcorp Genetics (formerly Invitae), Labcorp
Classification: Uncertain significance for Hereditary breast ovarian cancer syndrome. Last evaluated: 2017-01-04. Review status: criteria provided, single submitter. Criteria: Invitae Variant Classification Sherloc (09022015). Collection method: clinical testing. Allele origin: germline.
Comment: In summary, this variant is a novel missense change that is not predicted to affect protein function. There is no indication that it causes disease, but the available evidence is currently insufficient to prove that conclusively. Therefore, it has been classified as a Variant of Uncertain Significance. Algorithms developed to predict the effect of missense changes on protein structure and function (SIFT, PolyPhen-2, Align-GVGD) all suggest that this variant is likely to be tolerated, but these predictions have not been confirmed by published functional studies. This variant is not present in population databases (ExAC no frequency) and has not been reported in the literature in individuals with a BRCA1-related disease. This sequence change replaces isoleucine with serine at codon 1058 of the BRCA1 protein (p.Ile1058Ser). The isoleucine residue is weakly conserved and there is a large physicochemical difference between isoleucine and serine.